The following is an entry in ClinVar:

NM_024675.4(PALB2):c.1803del (p.Lys601fs)

Gene: PALB2 (partner and localizer of BRCA2; minus strand). Cytogenetic location: 16p12.2.
Variant type: Deletion.
Coding change: c.1803del on transcript NM_024675.4 (MANE Select); coding-DNA position 1803, one base deleted (G; older notation c.1803delG).
Protein change: p.Lys601fs; shifts the reading frame from lysine 601.
Molecular consequence: frameshift variant.
Genome position (GRCh38, 1-based): chr16:23,630,351, C deleted on the plus strand (G on the coding strand, the reverse complement: PALB2 is on the minus strand). VCF-style (leftmost placement, unchanged base first): chr16-23630350-GC-G. GRCh37 (hg19) VCF-style: chr16-23641671-GC-G.
Other names: short protein forms K601fs.
Identifiers: ClinVar variation 925358 (VCV000925358.3), dbSNP rs1966865768, ClinGen allele CA913188771.
Genomic context (GRCh38, chr16:23,630,350, plus strand): 5'-GAGGTCCAAAGTCTTCATCAGGTAACTGAAAGTCTGTGATACTGAGAAAAGACAGTAGTT[GC>G]TTTAAACTCAGCATTCCATCCCTATGAAATGGAGCCGTGAAAGCATCATCATCCAAGGAT-3'

ClinVar aggregate classification (germline): Pathogenic (1 of 4 stars; one submission).

Conditions:
Hereditary cancer-predisposing syndrome. Also called: Neoplastic Syndromes, Hereditary; Tumor predisposition; Hereditary Cancer Syndrome; Hereditary neoplastic syndrome. Identifiers: Orphanet 140162, MedGen C0027672, MeSH D009386, MONDO:0015356.

Submission:

Color Diagnostics, LLC DBA Color Health
Classification: Pathogenic for Hereditary cancer-predisposing syndrome. Last evaluated: 2020-01-15. Review status: criteria provided, single submitter. Criteria: ACMG Guidelines, 2015. Collection method: clinical testing. Allele origin: germline.
Comment: This variant deletes 1 nucleotide in exon 5 of the PALB2 gene, creating a frameshift and premature translation stop signal. This variant is expected to result in an absent or non-functional protein product. This variant has not been identified in the general population by the Genome Aggregation Database (gnomAD). Loss of PALB2 function is a known mechanism of disease. Based on the available evidence, this variant is classified as Pathogenic.